The following is an entry in ClinVar:

NM_024312.5(GNPTAB):c.323+1G>A

Gene: GNPTAB (N-acetylglucosamine-1-phosphate transferase subunits alpha and beta; minus strand). Cytogenetic location: 12q23.2.
Variant type: single nucleotide variant.
Coding change: c.323+1G>A on transcript NM_024312.5 (MANE Select); the canonical splice donor site of the intron after coding-DNA position 323, G replaced by A.
Molecular consequence: splice donor variant.
Genome position (GRCh38, 1-based): chr12:101,789,937, C>T on the plus strand (G>A on the coding strand, the complement: GNPTAB is on the minus strand). VCF-style: chr12-101789937-C-T. GRCh37 (hg19) VCF-style: chr12-102183715-C-T.
Identifiers: ClinVar variation 1515717 (VCV001515717.10), dbSNP rs2137150067, ClinGen allele CA386305325.
Genomic context (GRCh38, chr12:101,789,937, plus strand): 5'-CCTCAGACCTTATTACATCGCCACATTACCCATCTGATGTGAAAAAAAAAATCAGTTTTA[C>T]CTCATTGCTTTCTGCTCCTCCTCCATCTGTTCTCTGACCTGCTGTAGTTCCTTCAGTAGT-3'

ClinVar aggregate classification (germline): Likely pathogenic (1 of 4 stars; one submission).

Conditions:
Pseudo-Hurler polydystrophy. Also called: ML III; ML III ALPHA/BETA; Type III Mucolipidosis; ML IIIA; Mucolipidosis III Alpha/Beta; MUCOLIPIDOSIS IIIA. Identifiers: Orphanet 423461, Orphanet 577, MedGen C0033788, MONDO:0018931, OMIM 252600.
Mucolipidosis type II. Also called: ML II ALPHA/BETA; Mucolipidosis 2; ML 2; Inclusion cell disease; Leroy Disease; N-acetylglucosamine 1phosphotransferase deficiency. Identifiers: Orphanet 576, MedGen C2673377, MONDO:0009650, OMIM 252500.

Submission:

Labcorp Genetics (formerly Invitae), Labcorp
Classification: Likely pathogenic for Pseudo-Hurler polydystrophy; Mucolipidosis type II. Last evaluated: 2024-01-07. Review status: criteria provided, single submitter. Criteria: Invitae Variant Classification Sherloc (09022015). Collection method: clinical testing. Allele origin: germline.
Comment: This sequence change affects a donor splice site in intron 3 of the GNPTAB gene. It is expected to disrupt RNA splicing. Variants that disrupt the donor or acceptor splice site typically lead to a loss of protein function (PMID: 16199547), and loss-of-function variants in GNPTAB are known to be pathogenic (PMID: 19617216, 25107912). This variant is not present in population databases (gnomAD no frequency). Disruption of this splice site has been observed in individual(s) with GNPTAB-related conditions (PMID: 30882951). ClinVar contains an entry for this variant (Variation ID: 1515717). Algorithms developed to predict the effect of sequence changes on RNA splicing suggest that this variant may disrupt the consensus splice site. In summary, the currently available evidence indicates that the variant is pathogenic, but additional data are needed to prove that conclusively. Therefore, this variant has been classified as Likely Pathogenic.

Literature cited by the submitters: PubMed 16199547; PubMed 19617216; PubMed 25107912; PubMed 30882951.